The following is an entry in ClinVar:

ClinVar aggregate classification (germline): Uncertain significance (1 of 4 stars; one submission).

Submission:

Labcorp Genetics (formerly Invitae), Labcorp
Classification: Uncertain significance. Last evaluated: 2024-09-21. Review status: criteria provided, single submitter. Criteria: Invitae Variant Classification Sherloc (09022015). Collection method: clinical testing. Allele origin: germline.
Comment: This sequence change replaces alanine, which is neutral and non-polar, with valine, which is neutral and non-polar, at codon 1162 of the SAMD9 protein (p.Ala1162Val). This variant is not present in population databases (gnomAD no frequency). This variant has not been reported in the literature in individuals affected with SAMD9-related conditions. Invitae Evidence Modeling of protein sequence and biophysical properties (such as structural, functional, and spatial information, amino acid conservation, physicochemical variation, residue mobility, and thermodynamic stability) has been performed for this missense variant. However, the output from this modeling did not meet the statistical confidence thresholds required to predict the impact of this variant on SAMD9 protein function. In summary, the available evidence is currently insufficient to determine the role of this variant in disease. Therefore, it has been classified as a Variant of Uncertain Significance.

NM_017654.4(SAMD9):c.3485C>T (p.Ala1162Val)

Gene: SAMD9 (sterile alpha motif domain containing 9; minus strand). Cytogenetic location: 7q21.2.
Variant type: single nucleotide variant.
Coding change: c.3485C>T on transcript NM_017654.4 (MANE Select); coding-DNA position 3485, C replaced by T.
Protein change: p.Ala1162Val; replaces alanine 1162 with valine.
Molecular consequence: missense variant.
Genome position (GRCh38, 1-based): chr7:93,102,613, G>A on the plus strand (C>T on the coding strand, the complement: SAMD9 is on the minus strand). VCF-style: chr7-93102613-G-A. GRCh37 (hg19) VCF-style: chr7-92731926-G-A.
Other names: c.3485C>T, p.Ala1162Val (NM_001193307.2); short protein forms A1162V.
Identifiers: ClinVar variation 3670757 (VCV003670757.2).